The following is an entry in ClinVar:

NM_000088.4(COL1A1):c.425G>A (p.Gly142Glu)

Gene: COL1A1 (collagen type I alpha 1 chain; minus strand). Cytogenetic location: 17q21.33.
Variant type: single nucleotide variant.
Coding change: c.425G>A on transcript NM_000088.4 (MANE Select); coding-DNA position 425, G replaced by A.
Protein change: p.Gly142Glu; replaces glycine 142 with glutamic acid.
Molecular consequence: missense variant.
Genome position (GRCh38, 1-based): chr17:50,199,272, C>T on the plus strand (G>A on the coding strand, the complement: COL1A1 is on the minus strand). VCF-style: chr17-50199272-C-T. GRCh37 (hg19) VCF-style: chr17-48276633-C-T.
Other names: short protein forms G142E.
Identifiers: ClinVar variation 3634737 (VCV003634737.2).

ClinVar aggregate classification (germline): Pathogenic (1 of 4 stars; one submission).

Conditions:
Osteogenesis imperfecta type I (OI1). Also called: Lobstein's Disease; Lobstein disease; Classic Non-deforming Osteogenesis Imperfecta with Blue Sclerae; OI, TYPE I; OSTEOGENESIS IMPERFECTA TARDA; OSTEOGENESIS IMPERFECTA WITH BLUE SCLERAE. Identifiers: Orphanet 216796, Orphanet 666, MedGen C0023931, MONDO:0008146, OMIM 166200. Disease mechanism: loss of function.

Submission:

Labcorp Genetics (formerly Invitae), Labcorp
Classification: Pathogenic for Osteogenesis imperfecta type I. Last evaluated: 2024-12-17. Review status: criteria provided, single submitter. Criteria: Invitae Variant Classification Sherloc (09022015). Collection method: clinical testing. Allele origin: germline.
Comment: This sequence change replaces glycine, which is neutral and non-polar, with glutamic acid, which is acidic and polar, at codon 142 of the COL1A1 protein (p.Gly142Glu). This variant is not present in population databases (gnomAD no frequency). This missense change has been observed in individual(s) with clinical features of COL1A1-related conditions (internal data). Invitae Evidence Modeling of protein sequence and biophysical properties (such as structural, functional, and spatial information, amino acid conservation, physicochemical variation, residue mobility, and thermodynamic stability) indicates that this missense variant is expected to disrupt COL1A1 protein function with a positive predictive value of 95%. This variant disrupts the p.Gly142 amino acid residue in COL1A1. Other variant(s) that disrupt this residue have been determined to be pathogenic (internal data). This suggests that this residue is clinically significant, and that variants that disrupt this residue are likely to be disease-causing. For these reasons, this variant has been classified as Pathogenic.